The following is an entry in ClinVar:

ClinVar aggregate classification (germline): Uncertain significance (1 of 4 stars; one submission).

Allele frequency attached by ClinVar (database versions not stated): gnomAD exomes below 0.00001; ExAC 0.00001; gnomAD 0.00001; TOPMed 0.00002; ESP Exome Variant Server 0.00008.
gnomAD v4.1: 10 of 1,613,992 alleles (0.00062%); highest among the groups gnomAD compares: African/African-American, 0.0027%; no homozygotes.

Submission:

Labcorp Genetics (formerly Invitae), Labcorp
Classification: Uncertain significance. Last evaluated: 2022-07-12. Review status: criteria provided, single submitter. Criteria: Invitae Variant Classification Sherloc (09022015). Collection method: clinical testing. Allele origin: germline.
Comment: Algorithms developed to predict the effect of missense changes on protein structure and function are either unavailable or do not agree on the potential impact of this missense change (SIFT: "Deleterious"; PolyPhen-2: "Probably Damaging"; Align-GVGD: "Class C0"). In summary, the available evidence is currently insufficient to determine the role of this variant in disease. Therefore, it has been classified as a Variant of Uncertain Significance. This variant is present in population databases (rs368761999, gnomAD 0.0009%). ClinVar contains an entry for this variant (Variation ID: 951897). This variant has not been reported in the literature in individuals affected with SZT2-related conditions. This sequence change replaces arginine, which is basic and polar, with cysteine, which is neutral and slightly polar, at codon 31 of the SZT2 protein (p.Arg31Cys).

NM_001365999.1(SZT2):c.91C>T (p.Arg31Cys)

Gene: SZT2 (SZT2 subunit of KICSTOR complex; plus strand). Cytogenetic location: 1p34.2.
Variant type: single nucleotide variant.
Coding change: c.91C>T on transcript NM_001365999.1 (MANE Select); coding-DNA position 91, C replaced by T.
Protein change: p.Arg31Cys; replaces arginine 31 with cysteine.
Molecular consequence: missense variant.
Genome position (GRCh38, 1-based): chr1:43,403,240, C>T. VCF-style: chr1-43403240-C-T. GRCh37 (hg19) VCF-style: chr1-43868911-C-T.
Other names: c.91C>T, p.Arg31Cys (NM_015284.4); short protein forms R31C.
Identifiers: ClinVar variation 951897 (VCV000951897.9), dbSNP rs368761999, ClinGen allele CA808072.